The following is an entry in ClinVar:

ClinVar aggregate classification (germline): Likely benign. Review status: criteria provided, single submitter (1 of 4 stars). 2 submissions from 2 submitters: Likely benign (1). 1 of the submissions does not count toward it. Last evaluated 2019-12-17.

Conditions:
TTPA-related disorder. Also called: TTPA-related condition.

Submissions (2):

Labcorp Genetics (formerly Invitae), Labcorp
Classification: Likely benign. Last evaluated: 2019-12-17. Review status: criteria provided, single submitter. Criteria: Invitae Variant Classification Sherloc (09022015). Collection method: clinical testing. Allele origin: germline.

PreventionGenetics, part of Exact Sciences
Classification: Likely benign for TTPA-related condition. Last evaluated: 2020-03-03. Review status: no assertion criteria provided. Collection method: clinical testing. Allele origin: germline. Not counted in ClinVar's aggregate classification.
Comment: This variant is classified as likely benign based on ACMG/AMP sequence variant interpretation guidelines (Richards et al. 2015 PMID: 25741868, with internal and published modifications).

NM_000370.3(TTPA):c.96G>C (p.Arg32=)

Gene: TTPA (alpha tocopherol transfer protein; minus strand). Cytogenetic location: 8q12.3.
Variant type: single nucleotide variant.
Coding change: c.96G>C on transcript NM_000370.3 (MANE Select); coding-DNA position 96, G replaced by C.
Protein change: p.Arg32=; no amino-acid change (arginine 32 retained).
Molecular consequence: synonymous variant.
Genome position (GRCh38, 1-based): chr8:63,085,926, C>G on the plus strand (G>C on the coding strand, the complement: TTPA is on the minus strand). VCF-style: chr8-63085926-C-G. GRCh37 (hg19) VCF-style: chr8-63998485-C-G.
Identifiers: ClinVar variation 1105463 (VCV001105463.12), dbSNP rs2129796172, ClinGen allele CA461212479.